The following is an entry in ClinVar:

ClinVar aggregate classification (germline): Uncertain significance (1 of 4 stars; one submission).

Conditions:
Amyotrophic lateral sclerosis type 4 (ALS4). Also called: NEURONOPATHY, DISTAL HEREDITARY MOTOR, WITH PYRAMIDAL FEATURES; AMYOTROPHIC LATERAL SCLEROSIS 4, JUVENILE. Identifiers: Orphanet 357043, MedGen C1865409, MONDO:0011223, OMIM 602433.
Spinocerebellar ataxia, autosomal recessive, with axonal neuropathy 2 (SCAN2). Also called: Ataxia with Oculomotor Apraxia; ATAXIA-OCULOMOTOR APRAXIA 2; Ataxia with Oculomotor Apraxia Type 2; Ataxia-ocular apraxia-2. Identifiers: Orphanet 64753, MedGen C1853761, MONDO:0018996, OMIM 606002.

Allele frequency attached by ClinVar (database versions not stated): TOPMed below 0.00001; gnomAD 0.00001.

Submission:

Labcorp Genetics (formerly Invitae), Labcorp
Classification: Uncertain significance for Amyotrophic lateral sclerosis type 4; Spinocerebellar ataxia, autosomal recessive, with axonal neuropathy 2. Last evaluated: 2022-09-10. Review status: criteria provided, single submitter. Criteria: Invitae Variant Classification Sherloc (09022015). Collection method: clinical testing. Allele origin: germline.
Comment: In summary, the available evidence is currently insufficient to determine the role of this variant in disease. Therefore, it has been classified as a Variant of Uncertain Significance. Experimental studies and prediction algorithms are not available or were not evaluated, and the functional significance of this variant is currently unknown. This variant has not been reported in the literature in individuals affected with SETX-related conditions. This variant is not present in population databases (gnomAD no frequency). This variant, c.3037_3039del, results in the deletion of 1 amino acid(s) of the SETX protein (p.Val1013del), but otherwise preserves the integrity of the reading frame.

NM_015046.7(SETX):c.3037_3039del (p.Val1013del)

Gene: SETX (senataxin; minus strand). Cytogenetic location: 9q34.13.
Variant type: Deletion.
Coding change: c.3037_3039del on transcript NM_015046.7 (MANE Select); coding-DNA positions 3037 to 3039, 3 bases deleted (GTT; older notation c.3037_3039delGTT).
Protein change: p.Val1013del; deletes valine 1013.
Molecular consequence: inframe deletion.
Genome position (GRCh38, 1-based): chr9:132,328,559-132,328,561, AAC deleted on the plus strand (GTT on the coding strand, the reverse complement: SETX is on the minus strand). VCF-style (leftmost placement, unchanged base first): chr9-132328558-TAAC-T. GRCh37 (hg19) VCF-style: chr9-135203945-TAAC-T.
Other names: c.3037_3039del, p.Val1013del (NM_001351527.2, NM_001351528.2); short protein forms V1013del.
Identifiers: ClinVar variation 1979872 (VCV001979872.4), dbSNP rs1365385956, ClinGen allele CA860633753.